The following is an entry in ClinVar:

ClinVar aggregate classification (germline): Benign/Likely benign. Review status: criteria provided, multiple submitters, no conflicts (2 of 4 stars). 4 submissions from 4 submitters: Benign (1); Likely benign (2). 1 of the submissions does not count toward it. Last evaluated 2026-02-02.

Conditions:
DOCK6-related disorder. Also called: DOCK6-related condition.

Allele frequency attached by ClinVar (database versions not stated): gnomAD exomes 0.00064 and 0.00155; ExAC 0.00200; gnomAD 0.00610 and 0.00651; ESP Exome Variant Server 0.00683; TOPMed 0.00699; 1000 Genomes Project 0.00719; 1000 Genomes Project 30x 0.00765.
gnomAD v4.1: 1,889 of 1,613,720 alleles (0.12%); highest among the groups gnomAD compares: African/African-American, 2.2%; 25 homozygotes.

Submissions (4):

Labcorp Genetics (formerly Invitae), Labcorp
Classification: Benign. Last evaluated: 2026-02-02. Review status: criteria provided, single submitter. Criteria: Invitae Variant Classification Sherloc (09022015). Collection method: clinical testing. Allele origin: germline.

GeneDx
Classification: Likely benign. Last evaluated: 2020-10-13. Review status: criteria provided, single submitter. Criteria: GeneDx Variant Classification Process June 2021. Collection method: clinical testing. Allele origin: germline. Affected: yes.

Breakthrough Genomics
Classification: Likely benign. Review status: criteria provided, single submitter. Criteria: ACMG Guidelines, 2015. Collection method: not provided. Allele origin: germline. Inheritance: Autosomal recessive inheritance. Affected: yes.

PreventionGenetics, part of Exact Sciences
Classification: Benign for DOCK6-related condition. Last evaluated: 2019-08-08. Review status: no assertion criteria provided. Collection method: clinical testing. Allele origin: germline. Not counted in ClinVar's aggregate classification.
Comment: This variant is classified as benign based on ACMG/AMP sequence variant interpretation guidelines (Richards et al. 2015 PMID: 25741868, with internal and published modifications).

NM_020812.4(DOCK6):c.5700G>A (p.Thr1900=)

Gene: DOCK6 (dedicator of cytokinesis 6; minus strand). Cytogenetic location: 19p13.2.
Variant type: single nucleotide variant.
Coding change: c.5700G>A on transcript NM_020812.4 (MANE Select); coding-DNA position 5700, G replaced by A.
Protein change: p.Thr1900=; no amino-acid change (threonine 1900 retained).
Molecular consequence: synonymous variant.
Genome position (GRCh38, 1-based): chr19:11,201,041, C>T on the plus strand (G>A on the coding strand, the complement: DOCK6 is on the minus strand). VCF-style: chr19-11201041-C-T. GRCh37 (hg19) VCF-style: chr19-11311717-C-T.
Other names: c.5805G>A, p.Thr1935= (NM_001367830.1).
Identifiers: ClinVar variation 724123 (VCV000724123.15), dbSNP rs142270471, ClinGen allele CA9206361.